The following is an entry in ClinVar:

ClinVar aggregate classification (germline): Uncertain significance (1 of 4 stars; one submission).

gnomAD v4.1: 3 of 1,613,972 alleles (0.00019%); highest among the groups gnomAD compares: Non-Finnish European, 0.00025%; no homozygotes.

Submission:

Labcorp Genetics (formerly Invitae), Labcorp
Classification: Uncertain significance. Last evaluated: 2025-10-02. Review status: criteria provided, single submitter. Criteria: Invitae Variant Classification Sherloc (09022015). Collection method: clinical testing. Allele origin: germline.
Comment: This sequence change replaces isoleucine, which is neutral and non-polar, with methionine, which is neutral and non-polar, at codon 334 of the VPS33A protein (p.Ile334Met). This variant is not present in population databases (gnomAD no frequency). This variant has not been reported in the literature in individuals affected with VPS33A-related conditions. ClinVar contains an entry for this variant (Variation ID: 3700384). Invitae Evidence Modeling of protein sequence and biophysical properties (such as structural, functional, and spatial information, amino acid conservation, physicochemical variation, residue mobility, and thermodynamic stability) indicates that this missense variant is not expected to disrupt VPS33A protein function with a negative predictive value of 80%. In summary, the available evidence is currently insufficient to determine the role of this variant in disease. Therefore, it has been classified as a Variant of Uncertain Significance.

NM_022916.6(VPS33A):c.1002C>G (p.Ile334Met)

Gene: VPS33A (VPS33A core subunit of CORVET and HOPS complexes; minus strand). Cytogenetic location: 12q24.31.
Variant type: single nucleotide variant.
Coding change: c.1002C>G on transcript NM_022916.6 (MANE Select); coding-DNA position 1002, C replaced by G.
Protein change: p.Ile334Met; replaces isoleucine 334 with methionine.
Molecular consequence: missense variant. On other transcripts: intron variant (1).
Genome position (GRCh38, 1-based): chr12:122,242,476, G>C on the plus strand (C>G on the coding strand, the complement: VPS33A is on the minus strand). VCF-style: chr12-122242476-G-C. GRCh37 (hg19) VCF-style: chr12-122727023-G-C.
Other names: c.969C>G, p.Ile323Met (NM_001351018.2); c.954C>G, p.Ile318Met (NM_001351019.2); c.776-2531C>G (NM_001351020.2); short protein forms I334M, I318M, I323M.
Identifiers: ClinVar variation 3700384 (VCV003700384.2).